The following is an entry in ClinVar:

NC_000010.10:g.(?_73483792)_(73490371_?)del

Genes: C10orf105 (chromosome 10 open reading frame 105; minus strand), CDH23 (cadherin related 23; plus strand). Cytogenetic location: 10q22.1.
Variant type: Deletion.
Identifiers: ClinVar variation 3245004 (VCV003245004.1).

ClinVar aggregate classification (germline): Pathogenic (1 of 4 stars; one submission).

Submission:

Labcorp Genetics (formerly Invitae), Labcorp
Classification: Pathogenic. Last evaluated: 2022-11-25. Review status: criteria provided, single submitter. Criteria: Invitae Variant Classification Sherloc (09022015). Collection method: clinical testing. Allele origin: unknown.
Comment: This variant is a gross deletion of the genomic region encompassing exon(s) 29-31 of the CDH23 gene. This deletion is out-of-frame, and is expected to create a premature termination codon and result in an absent or disrupted protein product. Loss-of-function variants in CDH23 are known to be pathogenic (PMID: 11138009, 21940737). For these reasons, this variant has been classified as Pathogenic. This variant has not been reported in the literature in individuals affected with CDH23-related conditions.

Literature cited by the submitters: PubMed 11138009; PubMed 21940737.